The following is an entry in ClinVar:

ClinVar aggregate classification (germline): Uncertain significance (1 of 4 stars; one submission).

Conditions:
Immunodeficiency. Identifiers: MedGen C0021051, MONDO:0021094, HP:0002721.

Allele frequency attached by ClinVar (database versions not stated): gnomAD exomes below 0.00001; gnomAD 0.00001; TOPMed 0.00001.
gnomAD v4.1: 4 of 1,613,932 alleles (0.00025%); highest among the groups gnomAD compares: Non-Finnish European, 0.00025%; no homozygotes.

Submission:

Labcorp Genetics (formerly Invitae), Labcorp
Classification: Uncertain significance for Immunodeficiency. Last evaluated: 2025-04-09. Review status: criteria provided, single submitter. Criteria: Invitae Variant Classification Sherloc (09022015). Collection method: clinical testing. Allele origin: germline.
Comment: This sequence change replaces valine, which is neutral and non-polar, with isoleucine, which is neutral and non-polar, at codon 1024 of the NFAT5 protein (p.Val1024Ile). This variant is not present in population databases (gnomAD no frequency). This variant has not been reported in the literature in individuals affected with NFAT5-related conditions. ClinVar contains an entry for this variant (Variation ID: 1418770). An algorithm developed to predict the effect of missense changes on protein structure and function (PolyPhen-2) suggests that this variant is likely to be disruptive. In summary, the available evidence is currently insufficient to determine the role of this variant in disease. Therefore, it has been classified as a Variant of Uncertain Significance.

NM_138713.4(NFAT5):c.3352G>A (p.Val1118Ile)

Gene: NFAT5 (nuclear factor of activated T cells 5; plus strand). Cytogenetic location: 16q22.1.
Variant type: single nucleotide variant.
Coding change: c.3352G>A on transcript NM_138713.4 (MANE Select); coding-DNA position 3352, G replaced by A.
Protein change: p.Val1118Ile; replaces valine 1118 with isoleucine.
Molecular consequence: missense variant.
Genome position (GRCh38, 1-based): chr16:69,693,177, G>A. VCF-style: chr16-69693177-G-A. GRCh37 (hg19) VCF-style: chr16-69727080-G-A.
Other names: c.3349G>A, p.Val1117Ile (NM_001113178.3); c.2677G>A, p.Val893Ile (NM_001367709.1); c.3298G>A, p.Val1100Ile (NM_006599.4); c.3070G>A, p.Val1024Ile (NM_138714.4, NM_173214.3, NM_173215.3); short protein forms V1024I, V1100I, V1118I, V1117I, V893I.
Identifiers: ClinVar variation 1418770 (VCV001418770.6), dbSNP rs2037622928, ClinGen allele CA396512823.